The following is an entry in ClinVar:

NM_001142800.2(EYS):c.8196_8200del (p.Phe2734fs)

Gene: EYS (eyes shut homolog; minus strand). Cytogenetic location: 6q12.
Variant type: Deletion.
Coding change: c.8196_8200del on transcript NM_001142800.2 (MANE Select); coding-DNA positions 8196 to 8200, 5 bases deleted (CCTAT; older notation c.8196_8200delCCTAT).
Protein change: p.Phe2734fs; shifts the reading frame from phenylalanine 2734.
Molecular consequence: frameshift variant.
Genome position (GRCh38, 1-based): chr6:63,726,552-63,726,556, ATAGG deleted on the plus strand (CCTAT on the coding strand, the reverse complement: EYS is on the minus strand); deleting any 5 consecutive bases within chr6:63,726,552-63,726,559 gives the same sequence; the c. name uses the placement nearest the transcript's 3' end. VCF-style (leftmost placement, unchanged base first): chr6-63726551-AATAGG-A. GRCh37 (hg19) VCF-style: chr6-64436444-AATAGG-A.
Other names: c.8259_8263del, p.Phe2755fs (NM_001292009.2); c.8196_8200delCTTTC (FM209056.1); short protein forms F2734fs, F2755fs.
Identifiers: ClinVar variation 1200022 (VCV001200022.3), dbSNP rs2149631759, ClinGen allele CA2499218462.

ClinVar aggregate classification (germline): Likely pathogenic (1 of 4 stars; one submission).

Submission:

GeneDx
Classification: Likely pathogenic. Last evaluated: 2020-12-14. Review status: criteria provided, single submitter. Criteria: GeneDx Variant Classification Process June 2021. Collection method: clinical testing. Allele origin: germline. Affected: yes.
Comment: Frameshift variant predicted to result in protein truncation, as the last 433 amino acids are replaced with 32 different amino acids, and other loss-of-function variants have been reported downstream in the Human Gene Mutation Database (Stenson et al., 2014); This variant is associated with the following publications: (PMID: 32728228, 30153090, 26161267)